The following is an entry in ClinVar:

NM_052947.4(ALPK2):c.263C>T (p.Ser88Leu)

Gene: ALPK2 (alpha kinase 2; minus strand). Cytogenetic location: 18q21.31.
Variant type: single nucleotide variant.
Coding change: c.263C>T on transcript NM_052947.4 (MANE Select); coding-DNA position 263, C replaced by T.
Protein change: p.Ser88Leu; replaces serine 88 with leucine.
Molecular consequence: missense variant.
Genome position (GRCh38, 1-based): chr18:58,580,513, G>A on the plus strand (C>T on the coding strand, the complement: ALPK2 is on the minus strand). VCF-style: chr18-58580513-G-A. GRCh37 (hg19) VCF-style: chr18-56247745-G-A.
Other names: short protein forms S88L.
Identifiers: ClinVar variation 2451003 (VCV002451003.2), dbSNP rs199755126, ClinGen allele CA8977481.

ClinVar aggregate classification (germline): Uncertain significance (1 of 4 stars; one submission).

Allele frequency attached by ClinVar (database versions not stated): gnomAD 0.00003; TOPMed 0.00006; ESP Exome Variant Server 0.00008.
gnomAD v4.1: 159 of 1,613,742 alleles (0.0099%); highest among the groups gnomAD compares: Non-Finnish European, 0.013%; no homozygotes.

Submission:

Ambry Genetics
Classification: Uncertain significance. Last evaluated: 2022-11-07. Review status: criteria provided, single submitter. Criteria: Ambry Variant Classification Scheme 2023. Collection method: clinical testing. Allele origin: germline.
Comment: The p.S88L variant (also known as c.263C>T), located in coding exon 3 of the ALPK2 gene, results from a C to T substitution at nucleotide position 263. The serine at codon 88 is replaced by leucine, an amino acid with dissimilar properties. This amino acid position is conserved. In addition, this alteration is predicted to be tolerated by in silico analysis. Since supporting evidence is limited at this time, the clinical significance of this alteration remains unclear.